The following is an entry in ClinVar:

NM_001170629.2(CHD8):c.843+3G>T

Gene: CHD8 (chromodomain helicase DNA binding protein 8; minus strand). Cytogenetic location: 14q11.2.
Variant type: single nucleotide variant.
Coding change: c.843+3G>T on transcript NM_001170629.2 (MANE Select); 3 bases into the intron after coding-DNA position 843, G replaced by T.
Molecular consequence: intron variant.
Genome position (GRCh38, 1-based): chr14:21,430,798, C>A on the plus strand (G>T on the coding strand, the complement: CHD8 is on the minus strand). VCF-style: chr14-21430798-C-A. GRCh37 (hg19) VCF-style: chr14-21898957-C-A.
Other names: c.6+1013G>T (NM_020920.4).
Identifiers: ClinVar variation 3363825 (VCV003363825.1).

ClinVar aggregate classification (germline): Uncertain significance (1 of 4 stars; one submission).

gnomAD v4.1: 1 of 1,574,984 alleles (0.000063%); highest among the groups gnomAD compares: South Asian, 0.0011%; no homozygotes.

Submission:

GeneDx
Classification: Uncertain significance. Last evaluated: 2023-11-05. Review status: criteria provided, single submitter. Criteria: GeneDx Variant Classification Process June 2021. Collection method: clinical testing. Allele origin: germline. Affected: yes.
Comment: Not observed at significant frequency in large population cohorts (gnomAD); Has not been previously published as pathogenic or benign to our knowledge; In silico analysis is inconclusive as to whether the variant alters gene splicing. In the absence of RNA/functional studies, the actual effect of this sequence change is unknown.